The following is an entry in ClinVar:

NM_000116.5(TAFAZZIN):c.541+13_541+28del

Gene: TAFAZZIN (tafazzin, phospholipid-lysophospholipid transacylase; plus strand). Cytogenetic location: Xq28.
Variant type: Deletion.
Coding change: c.541+13_541+28del on transcript NM_000116.5 (MANE Select); bases 13 to 28 of the intron after coding-DNA position 541, 16 bases deleted (GACTGGGTCGAGCCCC).
Molecular consequence: intron variant.
Genome position (GRCh38, 1-based): chrX:154,419,636-154,419,651, GACTGGGTCGAGCCCC deleted. VCF-style (leftmost placement, unchanged base first): chrX-154419635-TGACTGGGTCGAGCCCC-T. GRCh37 (hg19) VCF-style: chrX-153647974-TGACTGGGTCGAGCCCC-T.
Other names: c.595+13_595+28del (NM_001303465.2); c.505+13_505+28del (NM_001410698.1); c.541+13_541+28del (NM_181312.4); c.451+13_451+28del (NM_181311.4, NM_181313.4).
Identifiers: ClinVar variation 2771268 (VCV002771268.3), dbSNP rs2522985782, ClinGen allele CA2697544780.

ClinVar aggregate classification (germline): Uncertain significance (1 of 4 stars; one submission).

Conditions:
3-Methylglutaconic aciduria type 2 (BTHS). Also called: Barth syndrome; CARDIOSKELETAL MYOPATHY WITH NEUTROPENIA AND ABNORMAL MITOCHONDRIA. Identifiers: Orphanet 111, MedGen C0574083, MONDO:0010543, OMIM 302060.

Submission:

Labcorp Genetics (formerly Invitae), Labcorp
Classification: Uncertain significance for 3-Methylglutaconic aciduria type 2. Last evaluated: 2023-10-23. Review status: criteria provided, single submitter. Criteria: Invitae Variant Classification Sherloc (09022015). Collection method: clinical testing. Allele origin: germline.
Comment: This sequence change falls in intron 6 of the TAZ gene. It does not directly change the encoded amino acid sequence of the TAZ protein. This variant is not present in population databases (gnomAD no frequency). This variant has not been reported in the literature in individuals affected with TAZ-related conditions. Experimental studies and prediction algorithms are not available or were not evaluated, and the effect of this variant on mRNA splicing is currently unknown. In summary, the available evidence is currently insufficient to determine the role of this variant in disease. Therefore, it has been classified as a Variant of Uncertain Significance.